The following is an entry in ClinVar:

ClinVar aggregate classification (germline): Uncertain significance (1 of 4 stars; one submission).

Conditions:
Cardiovascular phenotype. Identifiers: MedGen CN230736.

Submission:

Ambry Genetics
Classification: Uncertain significance for Cardiovascular phenotype. Last evaluated: 2025-03-04. Review status: criteria provided, single submitter. Criteria: Ambry Variant Classification Scheme 2023. Collection method: clinical testing. Allele origin: germline.
Comment: The p.F387I variant (also known as c.1159T>A), located in coding exon 9 of the EFEMP2 gene, results from a T to A substitution at nucleotide position 1159. The phenylalanine at codon 387 is replaced by isoleucine, an amino acid with highly similar properties. This amino acid position is conserved. In addition, this alteration is predicted to be deleterious by in silico analysis. Based on the available evidence, the clinical significance of this variant remains unclear.

NM_016938.5(EFEMP2):c.1159T>A (p.Phe387Ile)

Gene: EFEMP2 (EGF containing fibulin extracellular matrix protein 2; minus strand). Cytogenetic location: 11q13.1.
Variant type: single nucleotide variant.
Coding change: c.1159T>A on transcript NM_016938.5 (MANE Select); coding-DNA position 1159, T replaced by A.
Protein change: p.Phe387Ile; replaces phenylalanine 387 with isoleucine.
Molecular consequence: missense variant. On other transcripts: non-coding transcript variant (1).
Genome position (GRCh38, 1-based): chr11:65,867,872, A>T on the plus strand (T>A on the coding strand, the complement: EFEMP2 is on the minus strand). VCF-style: chr11-65867872-A-T. GRCh37 (hg19) VCF-style: chr11-65635343-A-T.
Other names: short protein forms F387I.
Identifiers: ClinVar variation 3843637 (VCV003843637.1).